The following is an entry in ClinVar:

NM_024652.6(LRRK1):c.1418A>T (p.Asp473Val)

Gene: LRRK1 (leucine rich repeat kinase 1; plus strand). Cytogenetic location: 15q26.3.
Variant type: single nucleotide variant.
Coding change: c.1418A>T on transcript NM_024652.6 (MANE Select); coding-DNA position 1418, A replaced by T.
Protein change: p.Asp473Val; replaces aspartic acid 473 with valine.
Molecular consequence: missense variant.
Genome position (GRCh38, 1-based): chr15:101,012,144, A>T. VCF-style: chr15-101012144-A-T. GRCh37 (hg19) VCF-style: chr15-101552349-A-T.
Other names: short protein forms D473V.
Identifiers: ClinVar variation 4759936 (VCV004759936.1).
Genomic context (GRCh38, chr15:101,012,144, plus strand): 5'-AGGATGTGGATTTCTCAGAAAACGCACTCAAAGAAGTTCCCCTGGGACTTTTCCAGCTTG[A>T]TGTAAGCCTAATAGCCCTTTCTTTCTCATTTTCGGCTTTTGAGAGAAAATTGCTCCGTGT-3'
Protein context (NP_078928.3, residues 463-483): KEVPLGLFQL[Asp473Val]ALMFLRLQGN

ClinVar aggregate classification (germline): Uncertain significance (1 of 4 stars; one submission).

gnomAD v4.1: 1 of 1,604,948 alleles (0.000062%); highest among the groups gnomAD compares: Admixed American, 0.0017%; no homozygotes.

Submission:

Labcorp Genetics (formerly Invitae), Labcorp
Classification: Uncertain significance. Last evaluated: 2025-03-12. Review status: criteria provided, single submitter. Criteria: Invitae Variant Classification Sherloc (09022015). Collection method: clinical testing. Allele origin: germline.
Comment: This sequence change replaces aspartic acid, which is acidic and polar, with valine, which is neutral and non-polar, at codon 473 of the LRRK1 protein (p.Asp473Val). This variant is present in population databases (no rsID available, gnomAD 0.003%). This variant has not been reported in the literature in individuals affected with LRRK1-related conditions. An algorithm developed to predict the effect of missense changes on protein structure and function (PolyPhen-2) suggests that this variant is likely to be disruptive. In summary, the available evidence is currently insufficient to determine the role of this variant in disease. Therefore, it has been classified as a Variant of Uncertain Significance.